The following is an entry in ClinVar:

ClinVar aggregate classification (germline): Uncertain significance. Review status: criteria provided, multiple submitters, no conflicts (2 of 4 stars). 4 submissions from 4 submitters: Uncertain significance (4). Last evaluated 2026-08-17.

Conditions:
POT1-related disorder. Also called: POT1-related condition.
Tumor predisposition syndrome 3 (TPDS3). Also called: Melanoma, cutaneous malignant, susceptibility to, 10; Glioma susceptibility 9; LONG TELOMERE SYNDROME, POT1-RELATED; POT1 Tumor Predisposition. Identifiers: Orphanet 618, MedGen C4014476, MONDO:0014368, OMIM 615848.
Hereditary cancer-predisposing syndrome. Also called: Neoplastic Syndromes, Hereditary; Hereditary Cancer Syndrome; Tumor predisposition; Hereditary neoplastic syndrome. Identifiers: Orphanet 140162, MedGen C0027672, MeSH D009386, MONDO:0015356.

Allele frequency attached by ClinVar (database versions not stated): TOPMed 0.00001.
gnomAD v4.1: 8 of 1,596,148 alleles (0.0005%); highest among the groups gnomAD compares: Non-Finnish European, 0.00068%; no homozygotes.

Submissions (4):

PreventionGenetics, part of Exact Sciences
Classification: Uncertain significance for POT1-related condition. Last evaluated: 2026-08-17. Review status: criteria provided, single submitter. Criteria: ACMG Guidelines, 2015. Collection method: clinical testing. Allele origin: germline.
Comment: The POT1 c.1156C>G variant is predicted to result in the amino acid substitution p.His386Asp. To our knowledge, this variant has not been reported in the literature or in a large population database (gnomAD), indicating this variant is rare. This variant is interpreted as uncertain in ClinVar (Variation ID: 945273). At this time, the clinical significance of this variant is uncertain due to the absence of conclusive functional and genetic evidence.

Center for Genomic Medicine, Rigshospitalet, Copenhagen University Hospital
Classification: Uncertain significance. Last evaluated: 2025-12-29. Review status: criteria provided, single submitter. Criteria: ACMG Guidelines, 2015. Collection method: clinical testing. Allele origin: germline.

Ambry Genetics
Classification: Uncertain significance for Hereditary cancer-predisposing syndrome. Last evaluated: 2025-12-15. Review status: criteria provided, single submitter. Criteria: Ambry Variant Classification Scheme 2023. Collection method: clinical testing. Allele origin: germline.
Comment: The p.H386D variant (also known as c.1156C>G), located in coding exon 9 of the POT1 gene, results from a C to G substitution at nucleotide position 1156. The histidine at codon 386 is replaced by aspartic acid, an amino acid with similar properties. This amino acid position is not well conserved in available vertebrate species. In addition, this alteration is predicted to be tolerated by in silico analysis. Since supporting evidence is limited at this time, the clinical significance of this alteration remains unclear.

Labcorp Genetics (formerly Invitae), Labcorp
Classification: Uncertain significance for Tumor predisposition syndrome 3. Last evaluated: 2025-11-24. Review status: criteria provided, single submitter. Criteria: Invitae Variant Classification Sherloc (09022015). Collection method: clinical testing. Allele origin: germline.
Comment: This sequence change replaces histidine, which is basic and polar, with aspartic acid, which is acidic and polar, at codon 386 of the POT1 protein (p.His386Asp). This variant is not present in population databases (gnomAD no frequency). This variant has not been reported in the literature in individuals affected with POT1-related conditions. ClinVar contains an entry for this variant (Variation ID: 945273). Invitae Evidence Modeling of protein sequence and biophysical properties (such as structural, functional, and spatial information, amino acid conservation, physicochemical variation, residue mobility, and thermodynamic stability) indicates that this missense variant is not expected to disrupt POT1 protein function with a negative predictive value of 80%. In summary, the available evidence is currently insufficient to determine the role of this variant in disease. Therefore, it has been classified as a Variant of Uncertain Significance.

NM_015450.3(POT1):c.1156C>G (p.His386Asp)

Gene: POT1 (protection of telomeres 1; minus strand). Cytogenetic location: 7q31.33.
Variant type: single nucleotide variant.
Coding change: c.1156C>G on transcript NM_015450.3 (MANE Select); coding-DNA position 1156, C replaced by G.
Protein change: p.His386Asp; replaces histidine 386 with aspartic acid.
Molecular consequence: missense variant. On other transcripts: non-coding transcript variant (3).
Genome position (GRCh38, 1-based): chr7:124,842,814, G>C on the plus strand (C>G on the coding strand, the complement: POT1 is on the minus strand). VCF-style: chr7-124842814-G-C. GRCh37 (hg19) VCF-style: chr7-124482868-G-C.
Other names: c.763C>G, p.His255Asp (NM_001042594.2); short protein forms H386D, H255D.
Identifiers: ClinVar variation 945273 (VCV000945273.14), dbSNP rs1168740597, ClinGen allele CA369068087.
Genomic context (GRCh38, chr7:124,842,814, plus strand): 5'-CATATACACACAAATAATATGAAAACGTTTGTTTTATTATGGAAAATACTCACAGCAAAT[G>C]ACATTTAGGGCAATGAAGTTTAACAGACTGAAATAGTCTTCTGGGCTTATATGACCTCAA-3'
Protein context (NP_056265.2, residues 376-396): QSVKLHCPKC[His386Asp]LLQEVPHEGD